The following is an entry in ClinVar:

ClinVar aggregate classification (germline): Likely benign. Review status: criteria provided, multiple submitters, no conflicts (2 of 4 stars). 2 submissions from 2 submitters: Likely benign (2). Last evaluated 2025-03-01.

Allele frequency attached by ClinVar (database versions not stated): gnomAD exomes below 0.00001; gnomAD 0.00001; 1000 Genomes Project 0.00020; 1000 Genomes Project 30x 0.00031.
gnomAD v4.1: 2 of 1,611,776 alleles (0.00012%); highest among the groups gnomAD compares: Admixed American, 0.0017%; no homozygotes.

Submissions (2):

CeGaT Center for Human Genetics Tuebingen
Classification: Likely benign. Last evaluated: 2025-03-01. Review status: criteria provided, single submitter. Criteria: CeGaT Center For Human Genetics Tuebingen Variant Classification Criteria Version 2. Collection method: clinical testing. Allele origin: germline. Affected: yes. Observed: 1 variant allele.
Comment: KMT2C: BP4, BP7

Labcorp Genetics (formerly Invitae), Labcorp
Classification: Likely benign. Last evaluated: 2022-11-11. Review status: criteria provided, single submitter. Criteria: Invitae Variant Classification Sherloc (09022015). Collection method: clinical testing. Allele origin: germline.

NM_170606.3(KMT2C):c.1497A>G (p.Pro499=)

Gene: KMT2C (lysine methyltransferase 2C; minus strand). Cytogenetic location: 7q36.1.
Variant type: single nucleotide variant.
Coding change: c.1497A>G on transcript NM_170606.3 (MANE Select); coding-DNA position 1497, A replaced by G.
Protein change: p.Pro499=; no amino-acid change (proline 499 retained).
Molecular consequence: synonymous variant.
Genome position (GRCh38, 1-based): chr7:152,252,063, T>C on the plus strand (A>G on the coding strand, the complement: KMT2C is on the minus strand). VCF-style: chr7-152252063-T-C. GRCh37 (hg19) VCF-style: chr7-151949148-T-C.
Identifiers: ClinVar variation 2992838 (VCV002992838.10), dbSNP rs573551117, ClinGen allele CA169225259.
Genomic context (GRCh38, chr7:152,252,063, plus strand): 5'-GTGTTTACAATACATGCAGATATACTCTTCTTTGAGCTGAGTATCCAGTTCATGATCTGT[T>C]GGTTTGTCACACTCTAGGTGAACCCACCTGCAGTGATAAGTATACTTAAATAAAAATTTC-3'
Protein context (NP_733751.2, residues 489-509): KRWVHLECDK[Pro499=]TDHELDTQLK